The following is an entry in ClinVar:

NM_020937.4(FANCM):c.4547C>T (p.Ala1516Val)

Gene: FANCM (FA complementation group M; plus strand). Cytogenetic location: 14q21.2.
Variant type: single nucleotide variant.
Coding change: c.4547C>T on transcript NM_020937.4 (MANE Select); coding-DNA position 4547, C replaced by T.
Protein change: p.Ala1516Val; replaces alanine 1516 with valine.
Molecular consequence: missense variant.
Genome position (GRCh38, 1-based): chr14:45,185,248, C>T. VCF-style: chr14-45185248-C-T. GRCh37 (hg19) VCF-style: chr14-45654451-C-T.
Other names: c.4469C>T, p.Ala1490Val (NM_001308133.2); short protein forms A1516V, A1490V.
Identifiers: ClinVar variation 3512964 (VCV003512964.1).

ClinVar aggregate classification (germline): Uncertain significance (1 of 4 stars; one submission).

Conditions:
Inborn genetic diseases. Identifiers: MedGen C0950123, MeSH D030342.

gnomAD v4.1: 3 of 1,604,804 alleles (0.00019%); highest among the groups gnomAD compares: African/African-American, 0.0027%; no homozygotes.

Submission:

Ambry Genetics
Classification: Uncertain significance for Inborn genetic diseases. Last evaluated: 2024-12-02. Review status: criteria provided, single submitter. Criteria: Ambry Variant Classification Scheme 2023. Collection method: clinical testing. Allele origin: germline.
Comment: The p.A1516V variant (also known as c.4547C>T), located in coding exon 18 of the FANCM gene, results from a C to T substitution at nucleotide position 4547. The alanine at codon 1516 is replaced by valine, an amino acid with similar properties. This amino acid position is conserved. In addition, the in silico prediction for this alteration is inconclusive. Based on the available evidence, the clinical significance of this variant remains unclear.